The following is an entry in ClinVar:

ClinVar aggregate classification (germline): Uncertain significance. Review status: criteria provided, multiple submitters, no conflicts (2 of 4 stars). 2 submissions from 2 submitters: Uncertain significance (2). Last evaluated 2024-09-30.

Conditions:
Inborn genetic diseases. Identifiers: MedGen C0950123, MeSH D030342.

Allele frequency attached by ClinVar (database versions not stated): gnomAD 0.00002; gnomAD exomes 0.00002 and 0.00003; TOPMed 0.00004.
gnomAD v4.1: 52 of 1,613,398 alleles (0.0032%); highest among the groups gnomAD compares: Non-Finnish European, 0.004%; no homozygotes.

Submissions (2):

Ambry Genetics
Classification: Uncertain significance for Inborn genetic diseases. Last evaluated: 2024-09-30. Review status: criteria provided, single submitter. Criteria: Ambry Variant Classification Scheme 2023. Collection method: clinical testing. Allele origin: germline.

Labcorp Genetics (formerly Invitae), Labcorp
Classification: Uncertain significance. Last evaluated: 2022-01-16. Review status: criteria provided, single submitter. Criteria: Invitae Variant Classification Sherloc (09022015). Collection method: clinical testing. Allele origin: germline.
Comment: This sequence change replaces lysine, which is basic and polar, with arginine, which is basic and polar, at codon 216 of the RXYLT1 protein (p.Lys216Arg). This variant is present in population databases (rs200642014, gnomAD 0.006%). This variant has not been reported in the literature in individuals affected with RXYLT1-related conditions. ClinVar contains an entry for this variant (Variation ID: 1007347). Algorithms developed to predict the effect of missense changes on protein structure and function output the following: SIFT: "Tolerated"; PolyPhen-2: "Benign"; Align-GVGD: "Class C0". The arginine amino acid residue is found in multiple mammalian species, which suggests that this missense change does not adversely affect protein function. Algorithms developed to predict the effect of sequence changes on RNA splicing suggest that this variant may create or strengthen a splice site. In summary, the available evidence is currently insufficient to determine the role of this variant in disease. Therefore, it has been classified as a Variant of Uncertain Significance.

NM_014254.3(RXYLT1):c.647A>G (p.Lys216Arg)

Gene: RXYLT1 (ribitol xylosyltransferase 1; plus strand). Cytogenetic location: 12q14.2.
Variant type: single nucleotide variant.
Coding change: c.647A>G on transcript NM_014254.3 (MANE Select); coding-DNA position 647, A replaced by G.
Protein change: p.Lys216Arg; replaces lysine 216 with arginine.
Molecular consequence: missense variant. On other transcripts: 5 prime UTR variant (1).
Genome position (GRCh38, 1-based): chr12:63,802,309, A>G. VCF-style: chr12-63802309-A-G. GRCh37 (hg19) VCF-style: chr12-64196089-A-G.
Other names: c.-134A>G (NM_001278237.2); c.647A>G (NM_014254.1); short protein forms K216R.
Identifiers: ClinVar variation 1007347 (VCV001007347.5), dbSNP rs200642014, ClinGen allele CA238830230.
Genomic context (GRCh38, chr12:63,802,309, plus strand): 5'-TTGCTGTTGTTTTGCTCGGAAATGAACATTGTGATAATGAGTGGATAAACCCATTCCTCA[A>G]AAGAAATGGAGGCTTCGTGGAGCTGCTTTTCATAATATATGACAGCCCCTGGATTAATGA-3'
Protein context (NP_055069.1, residues 206-226): CDNEWINPFL[Lys216Arg]RNGGFVELLF